The following is an entry in ClinVar:

NM_000487.6(ARSA):c.240dup (p.Gly81fs)

Gene: ARSA (arylsulfatase A; minus strand). Cytogenetic location: 22q13.33.
Variant type: Duplication.
Coding change: c.240dup on transcript NM_000487.6 (MANE Select); coding-DNA position 240, one base duplicated (C; older notation c.240dupC).
Protein change: p.Gly81fs; shifts the reading frame from glycine 81.
Molecular consequence: frameshift variant. On other transcripts: 5 prime UTR variant (2).
Genome position (GRCh38, 1-based): chr22:50,627,391, G duplicated on the plus strand (C on the coding strand, the reverse complement: ARSA is on the minus strand); the first of 2 consecutive G bases (chr22:50,627,391-50,627,392); duplicating either gives the same sequence. VCF-style (leftmost placement, unchanged base first): chr22-50627390-C-CG. GRCh37 (hg19) VCF-style: chr22-51065818-C-CG.
Other names: c.240dupC (NM_000487.6); c.240dup (NM_000487.5); c.240dup, p.Gly81fs (NM_001085425.3, NM_001085426.3, NM_001085427.3); c.-19dup (NM_001085428.3, NM_001362782.2); short protein forms G81fs.
Identifiers: ClinVar variation 188976 (VCV000188976.16), dbSNP rs786204599, ClinGen allele CA278480.

ClinVar aggregate classification (germline): Pathogenic/Likely pathogenic. Review status: criteria provided, multiple submitters, no conflicts (2 of 4 stars). 6 submissions from 6 submitters: Pathogenic (4); Likely pathogenic (1). 1 of the submissions does not count toward it. Last evaluated 2026-06-15.

Conditions:
Metachromatic leukodystrophy (MLD). Also called: ARSA DEFICIENCY; SULFATIDE LIPIDOSIS; CEREBROSIDE SULFATASE DEFICIENCY; Arylsulfatase A Deficiency; Cerebral sclerosis diffuse metachromatic form; METACHROMATIC LEUKOENCEPHALOPATHY. Identifiers: Orphanet 512, MedGen C0023522, MONDO:0018868, OMIM 250100.

Submissions (6):

Victorian Clinical Genetics Services, Murdoch Childrens Research Institute
Classification: Pathogenic for Metachromatic leukodystrophy. Last evaluated: 2026-06-15. Review status: criteria provided, single submitter. Criteria: ACMG Guidelines, 2015. Collection method: clinical testing. Allele origin: germline. Affected: yes.
Comment: This variant is classified as Pathogenic. Evidence in support of pathogenic classification: Variant is predicted to cause nonsense-mediated decay (NMD) and loss of protein (premature termination codon is located at least 54 nucleotides upstream of the final exon-exon junction); Variant is present in gnomAD <0.01 for a recessive condition (v4: 44 heterozygote(s), 0 homozygote(s)); This variant has moderate previous evidence of pathogenicity in unrelated individuals. This variant has been classified as likely pathogenic/pathogenic by clinical laboratories in ClinVar; Other NMD-predicted variant(s) comparable to the one identified in this case have very strong previous evidence for pathogenicity (DECIPHER). Additional information: This variant is heterozygous; This gene is associated with autosomal recessive disease; Loss of function is a known mechanism of disease in this gene and is associated with metachromatic leukodystrophy (MIM#250100); Heterozygous variant detected in trans with a second PATHOGENIC heterozygous variant (NM_000487.6(ARSA):c.877C>T; p.(Arg293*)) in a recessive disease.

First Genomix Gene Laboratory, Genetic Diagnostics Department
Classification: Pathogenic for Metachromatic leukodystrophy. Last evaluated: 2025-08-25. Review status: criteria provided, single submitter. Criteria: ACMG Guidelines, 2015. Collection method: clinical testing. Allele origin: germline. Inheritance: Autosomal recessive inheritance. Affected: no. Observed: 1 variant allele.

Variantyx, Inc.
Classification: Likely pathogenic for Metachromatic leukodystrophy. Last evaluated: 2025-07-18. Review status: criteria provided, single submitter. Criteria: Variantyx Assertion Criteria 2022. Collection method: clinical testing. Allele origin: germline. Inheritance: Autosomal recessive inheritance. Affected: no.
Comment: This is a frameshift variant in the ARSA gene (OMIM: 607574). Pathogenic variants in this gene have been associated with autosomal recessive metachromatic leukodystrophy. This variant introduces a premature termination codon in exon 2 out of 8 and is expected to result in loss of function, which is a known disease mechanism for ARSA in this disorder (PMID: 8962139, 10477432) (PVS1). The alteration has been reported in the compound heterozygous state in at least one affected individual (PMID:29379168), and it has a 0.0040% maximum allele frequency in non-founder control populations (PM2). Based on the current evidence, this variant is classified as likely pathogenic for autosomal recessive metachromatic leukodystrophy.

Labcorp Genetics (formerly Invitae), Labcorp
Classification: Pathogenic for Metachromatic leukodystrophy. Last evaluated: 2023-04-16. Review status: criteria provided, single submitter. Criteria: Invitae Variant Classification Sherloc (09022015). Collection method: clinical testing. Allele origin: germline.
Comment: This premature translational stop signal has been observed in individual(s) with metachromatic leukodystrophy (PMID: 17438611). In at least one individual the data is consistent with being in trans (on the opposite chromosome) from a pathogenic variant. For these reasons, this variant has been classified as Pathogenic. ClinVar contains an entry for this variant (Variation ID: 188976). This variant is also known as c.234dupC. This variant is present in population databases (rs786204599, gnomAD 0.001%). This sequence change creates a premature translational stop signal (p.Gly81Argfs*53) in the ARSA gene. It is expected to result in an absent or disrupted protein product. Loss-of-function variants in ARSA are known to be pathogenic (PMID: 8962139, 10477432).

Women's Health and Genetics/Laboratory Corporation of America, LabCorp
Classification: Pathogenic for Metachromatic leukodystrophy. Last evaluated: 2022-01-31. Review status: criteria provided, single submitter. Criteria: LabCorp Variant Classification Summary - May 2015. Collection method: clinical testing. Allele origin: germline.
Comment: Variant summary: ARSA c.240dupC (p.Gly81ArgfsX53) results in a premature termination codon, predicted to cause a truncation of the encoded protein or absence of the protein due to nonsense mediated decay, which are commonly known mechanisms for disease. Truncations downstream of this position have been classified as pathogenic by our laboratory. The variant allele was found at a frequency of 4.3e-06 in 232650 control chromosomes. c.240dupC has been reported in the literature in individuals affected with Metachromatic Leukodystrophy (Waye_2007, Calbi_2018). These data indicate that the variant may be associated with disease. At least one publication reports experimental evidence evaluating an impact on protein function. The most pronounced variant effect results in <10% of normal activity (Calbi_2018). One clinical diagnostic laboratory has submitted clinical-significance assessments for this variant to ClinVar after 2014 without evidence for independent evaluation and classified the variant as pathogenic. Based on the evidence outlined above, the variant was classified as pathogenic.

Counsyl
Classification: Likely pathogenic for Metachromatic leukodystrophy. Last evaluated: 2014-09-23. Review status: no assertion criteria provided. Collection method: literature only. Allele origin: unknown. Inheritance: Autosomal recessive inheritance. Not counted in ClinVar's aggregate classification.

Literature cited by the submitters: PubMed 8962139 (cited by Variantyx, Inc. and Labcorp Genetics (formerly Invitae), Labcorp); PubMed 10477432 (cited by Variantyx, Inc. and Labcorp Genetics (formerly Invitae), Labcorp); PubMed 29379168 (cited by Variantyx, Inc. and Women's Health and Genetics/Laboratory Corporation of America, LabCorp); PubMed 17438611 (cited by 3 submitters); PubMed 26462614 (cited by Women's Health and Genetics/Laboratory Corporation of America, LabCorp).